The following is an entry in ClinVar:

NM_000176.3(NR3C1):c.685G>A (p.Ala229Thr)

Gene: NR3C1 (nuclear receptor subfamily 3 group C member 1; minus strand). Cytogenetic location: 5q31.3.
Variant type: single nucleotide variant.
Coding change: c.685G>A on transcript NM_000176.3 (MANE Select); coding-DNA position 685, G replaced by A.
Protein change: p.Ala229Thr; replaces alanine 229 with threonine.
Molecular consequence: missense variant. On other transcripts: 5 prime UTR variant (3).
Genome position (GRCh38, 1-based): chr5:143,400,155, C>T on the plus strand (G>A on the coding strand, the complement: NR3C1 is on the minus strand). VCF-style: chr5-143400155-C-T. GRCh37 (hg19) VCF-style: chr5-142779720-C-T.
Other names: c.685G>A, p.Ala229Thr (NM_001018074.1, NM_001018075.1, NM_001018076.2 and 10 more transcripts); c.607G>A, p.Ala203Thr (NM_001204258.2); c.430G>A, p.Ala144Thr (NM_001204259.2); c.418G>A, p.Ala140Thr (NM_001204260.2); c.394G>A, p.Ala132Thr (NM_001204261.2); c.-261G>A (NM_001204262.2); c.-306G>A (NM_001204263.2); c.-321G>A (NM_001204264.2); short protein forms A140T, A229T, A203T, A132T, A144T.
Identifiers: ClinVar variation 713699 (VCV000713699.17), dbSNP rs72542742, ClinGen allele CA3487034.

ClinVar aggregate classification (germline): Conflicting classifications of pathogenicity. Review status: criteria provided, conflicting classifications (1 of 4 stars). 5 submissions from 5 submitters: Uncertain significance (1); Benign (1); Likely benign (1). 2 of the submissions do not count toward it. Last evaluated 2026-05-17.

Conditions:
Glucocorticoid resistance. Also called: Glucocorticoid receptor deficiency; Cortisol resistance from glucocorticoid receptor defect; Gcr deficiency; Glucocorticoid resistance, generalized; Gccr deficiency. Identifiers: Orphanet 786, MedGen C1841972, MONDO:0014421, OMIM 615962.
NR3C1-related disorder. Also called: NR3C1-related condition.

Allele frequency attached by ClinVar (database versions not stated): 1000 Genomes Project 0.00080; 1000 Genomes Project 30x 0.00109; gnomAD 0.00128 and 0.00134; ExAC 0.00137; gnomAD exomes 0.00139 and 0.00141; TOPMed 0.00140; ESP Exome Variant Server 0.00169.

Submissions (5):

PreventionGenetics, part of Exact Sciences
Classification: Likely benign for NR3C1-related condition. Last evaluated: 2026-05-17. Review status: criteria provided, single submitter. Criteria: ACMG Guidelines, 2015. Collection method: clinical testing. Allele origin: germline.
Comment: This variant is classified as likely benign based on ACMG/AMP sequence variant interpretation guidelines (Richards et al. 2015 PMID: 25741868, with internal and published modifications).

Labcorp Genetics (formerly Invitae), Labcorp
Classification: Benign. Last evaluated: 2025-11-25. Review status: criteria provided, single submitter. Criteria: Invitae Variant Classification Sherloc (09022015). Collection method: clinical testing. Allele origin: germline.

Illumina Laboratory Services, Illumina
Classification: Uncertain significance for Glucocorticoid resistance. Last evaluated: 2017-04-27. Review status: criteria provided, single submitter. Criteria: ICSL Variant Classification Criteria 13 December 2019. Collection method: clinical testing. Allele origin: germline.
Comment: This variant was observed as part of a predisposition screen in an ostensibly healthy population. A literature search was performed for the gene, cDNA change, and amino acid change (where applicable). Publications were found based on this search. However, the evidence from the literature, in combination with allele frequency data from public databases where available, was not sufficient to rule this variant in or out of causing disease. Therefore, this variant is classified as a variant of unknown significance.

Genome Diagnostics Laboratory, University Medical Center Utrecht
Classification: Likely benign. Review status: no assertion criteria provided. Collection method: clinical testing. Allele origin: germline. Affected: yes. Study: VKGL Data-share Consensus. Not counted in ClinVar's aggregate classification.

Joint Genome Diagnostic Labs from Nijmegen and Maastricht, Radboudumc and MUMC+
Classification: Benign. Review status: no assertion criteria provided. Collection method: clinical testing. Allele origin: germline. Affected: yes. Study: VKGL Data-share Consensus. Not counted in ClinVar's aggregate classification.

Literature cited by the submitters: PubMed 19435830 (cited by Illumina Laboratory Services, Illumina); PubMed 15497438 (cited by Illumina Laboratory Services, Illumina).